The following is an entry in ClinVar:

ClinVar aggregate classification (germline): Uncertain significance (1 of 4 stars; one submission).

Conditions:
Primary ciliary dyskinesia. Also called: Ciliary dyskinesia. Identifiers: Orphanet 244, MedGen C0008780, MONDO:0016575, HP:0012265.

Allele frequency attached by ClinVar (database versions not stated): gnomAD exomes below 0.00001; ExAC 0.00002; gnomAD 0.00003; TOPMed 0.00005.
gnomAD v4.1: 9 of 1,613,790 alleles (0.00056%); highest among the groups gnomAD compares: African/African-American, 0.012%; no homozygotes.

Submission:

Labcorp Genetics (formerly Invitae), Labcorp
Classification: Uncertain significance for Primary ciliary dyskinesia. Last evaluated: 2022-03-13. Review status: criteria provided, single submitter. Criteria: Invitae Variant Classification Sherloc (09022015). Collection method: clinical testing. Allele origin: germline.
Comment: In summary, the available evidence is currently insufficient to determine the role of this variant in disease. Therefore, it has been classified as a Variant of Uncertain Significance. Algorithms developed to predict the effect of missense changes on protein structure and function are either unavailable or do not agree on the potential impact of this missense change (SIFT: "Deleterious"; PolyPhen-2: "Not Available"; Align-GVGD: "Class C25"). This variant has not been reported in the literature in individuals affected with DNAH8-related conditions. This variant is present in population databases (rs776011753, gnomAD 0.01%). This sequence change replaces lysine, which is basic and polar, with arginine, which is basic and polar, at codon 3478 of the DNAH8 protein (p.Lys3478Arg).

NM_001206927.2(DNAH8):c.10433A>G (p.Lys3478Arg)

Genes: DNAH8 (dynein axonemal heavy chain 8; plus strand), DNAH8-AS1 (DNAH8 antisense RNA 1; minus strand). Cytogenetic location: 6p21.2.
Variant type: single nucleotide variant.
Coding change: c.10433A>G on transcript NM_001206927.2 (MANE Select); coding-DNA position 10433, A replaced by G.
Protein change: p.Lys3478Arg; replaces lysine 3478 with arginine.
Molecular consequence: missense variant.
Genome position (GRCh38, 1-based): chr6:38,918,049, A>G. VCF-style: chr6-38918049-A-G. GRCh37 (hg19) VCF-style: chr6-38885825-A-G.
Other names: c.9782A>G, p.Lys3261Arg (NM_001371.4); short protein forms K3478R, K3261R.
Identifiers: ClinVar variation 2145082 (VCV002145082.4), dbSNP rs776011753, ClinGen allele CA3790721.